The following is an entry in ClinVar:

NM_000260.4(MYO7A):c.4868G>T (p.Gly1623Val)

Gene: MYO7A (myosin VIIA; plus strand). Cytogenetic location: 11q13.5.
Variant type: single nucleotide variant.
Coding change: c.4868G>T on transcript NM_000260.4 (MANE Select); coding-DNA position 4868, G replaced by T.
Protein change: p.Gly1623Val; replaces glycine 1623 with valine.
Molecular consequence: missense variant.
Genome position (GRCh38, 1-based): chr11:77,201,463, G>T. VCF-style: chr11-77201463-G-T. GRCh37 (hg19) VCF-style: chr11-76912508-G-T.
Other names: c.4754G>T, p.Gly1585Val (NM_001127180.2); c.4721G>T, p.Gly1574Val (NM_001369365.1); c.4868G>T (NM_000260.3); short protein forms G1574V, G1585V, G1623V.
Identifiers: ClinVar variation 1979469 (VCV001979469.3), dbSNP rs1265861779, ClinGen allele CA381951118.

ClinVar aggregate classification (germline): Uncertain significance. Review status: criteria provided, multiple submitters, no conflicts (2 of 4 stars). 2 submissions from 2 submitters: Uncertain significance (2). Last evaluated 2025-05-08.

Allele frequency attached by ClinVar (database versions not stated): gnomAD 0.00001; TOPMed 0.00001.

Submissions (2):

GeneDx
Classification: Uncertain significance. Last evaluated: 2025-05-08. Review status: criteria provided, single submitter. Criteria: GeneDx Variant Classification Process June 2021. Collection method: clinical testing. Allele origin: germline. Affected: yes.
Comment: In silico analysis supports that this missense variant has a deleterious effect on protein structure/function; Has not been previously published as pathogenic or benign to our knowledge

Labcorp Genetics (formerly Invitae), Labcorp
Classification: Uncertain significance. Last evaluated: 2025-01-18. Review status: criteria provided, single submitter. Criteria: Invitae Variant Classification Sherloc (09022015). Collection method: clinical testing. Allele origin: germline.
Comment: This sequence change replaces glycine, which is neutral and non-polar, with valine, which is neutral and non-polar, at codon 1623 of the MYO7A protein (p.Gly1623Val). This variant is present in population databases (no rsID available, gnomAD 0.006%). This variant has not been reported in the literature in individuals affected with MYO7A-related conditions. ClinVar contains an entry for this variant (Variation ID: 1979469). Invitae Evidence Modeling of protein sequence and biophysical properties (such as structural, functional, and spatial information, amino acid conservation, physicochemical variation, residue mobility, and thermodynamic stability) indicates that this missense variant is not expected to disrupt MYO7A protein function with a negative predictive value of 95%. In summary, the available evidence is currently insufficient to determine the role of this variant in disease. Therefore, it has been classified as a Variant of Uncertain Significance.